The following is an entry in ClinVar:

ClinVar aggregate classification (germline): Benign/Likely benign. Review status: criteria provided, multiple submitters, no conflicts (2 of 4 stars). 11 submissions from 11 submitters: Benign (4); Likely benign (5). 2 of the submissions do not count toward it. Last evaluated 2026-02-02.

Conditions:
Arterial tortuosity syndrome (ATORS). Identifiers: Orphanet 3342, MedGen C1859726, MONDO:0008818, OMIM 208050.
Familial thoracic aortic aneurysm and aortic dissection (TAAD). Also called: Thoracic aortic aneurysms and dissections. Identifiers: Orphanet 91387, MedGen C4707243, MONDO:0019625.

Allele frequency attached by ClinVar (database versions not stated): gnomAD exomes 0.00069 and 0.00147; ExAC 0.00165; ESP Exome Variant Server 0.00254; TOPMed 0.00299; gnomAD 0.00302 and 0.00307; 1000 Genomes Project 30x 0.00531; 1000 Genomes Project 0.00599.
gnomAD v4.1: 1,477 of 1,614,086 alleles (0.092%); highest among the groups gnomAD compares: African/African-American, 1%; 9 homozygotes.

Submissions (11):

Labcorp Genetics (formerly Invitae), Labcorp
Classification: Likely benign for Arterial tortuosity syndrome. Last evaluated: 2026-02-02. Review status: criteria provided, single submitter. Criteria: Invitae Variant Classification Sherloc (09022015). Collection method: clinical testing. Allele origin: germline.

CeGaT Center for Human Genetics Tuebingen
Classification: Likely benign. Last evaluated: 2025-02-01. Review status: criteria provided, single submitter. Criteria: CeGaT Center For Human Genetics Tuebingen Variant Classification Criteria Version 2. Collection method: clinical testing. Allele origin: germline. Affected: yes. Observed: 2 variant alleles.
Comment: SLC2A10: BP4, BS1

Blueprint Genetics
Classification: Likely benign. Last evaluated: 2024-11-25. Review status: criteria provided, single submitter. Criteria: ACMG Guidelines, 2015. Collection method: clinical testing. Allele origin: germline.

Women's Health and Genetics/Laboratory Corporation of America, LabCorp
Classification: Likely benign. Last evaluated: 2024-01-15. Review status: criteria provided, single submitter. Criteria: LabCorp Variant Classification Summary - May 2015. Collection method: clinical testing. Allele origin: germline.
Comment: Variant summary: SLC2A10 c.674G>A (p.Arg225His) results in a non-conservative amino acid change located in the Major facilitator superfamily domain (IPR020846) of the encoded protein sequence. Three of five in-silico tools predict a damaging effect of the variant on protein function. The variant allele was found at a frequency of 0.0015 in 250864 control chromosomes, including 3 homozygotes, predominantly at a frequency of 0.0089 within the African or African-American subpopulation in the gnomAD database. The observed variant frequency within African or African-American control individuals in the gnomAD database is approximately 5.6 fold of the estimated maximal expected allele frequency for a pathogenic variant in SLC2A10 causing Arterial Tortuosity Syndrome phenotype (0.0016), strongly suggesting that the variant is a benign polymorphism found primarily in populations of African or African-American origin. c.674G>A has been reported in the literature in at least one homozygous individual affected with Arterial Tortuosity Syndrome (e.g., Beyens_2018). These report(s) do not provide unequivocal conclusions about association of the variant with Arterial Tortuosity Syndrome. To our knowledge, no experimental evidence demonstrating an impact on protein function has been reported. The following publication have been ascertained in the context of this evaluation (PMID: 29323665). ClinVar contains an entry for this variant (Variation ID: 241606). Based on the evidence outlined above, the variant was classified as likely benign.

CHEO Genetics Diagnostic Laboratory, Children's Hospital of Eastern Ontario
Classification: Benign for Familial thoracic aortic aneurysm and aortic dissection. Last evaluated: 2019-05-01. Review status: criteria provided, single submitter. Criteria: ACMG Guidelines, 2015. Collection method: clinical testing. Allele origin: germline.

ARUP Laboratories, Molecular Genetics and Genomics, ARUP Laboratories
Classification: Likely benign for Arterial tortuosity syndrome. Last evaluated: 2019-04-25. Review status: criteria provided, single submitter. Criteria: ARUP Molecular Germline Variant Investigation Process. Collection method: clinical testing. Allele origin: germline.

Eurofins Ntd Llc (ga)
Classification: Benign. Last evaluated: 2015-08-28. Review status: criteria provided, single submitter. Criteria: EGL Classification Definitions 2015. Collection method: clinical testing. Allele origin: germline. Observed: 1 variant allele, 1 heterozygote.

GeneDx
Classification: Benign. Last evaluated: 2015-07-29. Review status: criteria provided, single submitter. Criteria: GeneDx Variant Classification (06012015). Collection method: clinical testing. Allele origin: germline. Affected: yes.
Comment: This variant is considered likely benign or benign based on one or more of the following criteria: it is a conservative change, it occurs at a poorly conserved position in the protein, it is predicted to be benign by multiple in silico algorithms, and/or has population frequency not consistent with disease.

Ambry Genetics
Classification: Benign for Familial thoracic aortic aneurysm and aortic dissection. Last evaluated: 2015-04-20. Review status: criteria provided, single submitter. Criteria: Ambry Variant Classification Scheme 2023. Collection method: clinical testing. Allele origin: germline.

Clinical Genetics DNA and cytogenetics Diagnostics Lab, Erasmus MC, Erasmus Medical Center
Classification: Likely benign. Review status: no assertion criteria provided. Collection method: clinical testing. Allele origin: germline. Affected: yes. Study: VKGL Data-share Consensus. Not counted in ClinVar's aggregate classification.

Genome Diagnostics Laboratory, Amsterdam University Medical Center
Classification: Benign. Review status: no assertion criteria provided. Collection method: clinical testing. Allele origin: germline. Affected: yes. Study: VKGL Data-share Consensus. Not counted in ClinVar's aggregate classification.

Literature cited by the submitters: PubMed 29323665 (cited by Women's Health and Genetics/Laboratory Corporation of America, LabCorp).

NM_030777.4(SLC2A10):c.674G>A (p.Arg225His)

Gene: SLC2A10 (solute carrier family 2 member 10; plus strand). Cytogenetic location: 20q13.12.
Variant type: single nucleotide variant.
Coding change: c.674G>A on transcript NM_030777.4 (MANE Select); coding-DNA position 674, G replaced by A.
Protein change: p.Arg225His; replaces arginine 225 with histidine.
Molecular consequence: missense variant.
Genome position (GRCh38, 1-based): chr20:46,725,710, G>A. VCF-style: chr20-46725710-G-A. GRCh37 (hg19) VCF-style: chr20-45354349-G-A.
Other names: short protein forms R225H.
Identifiers: ClinVar variation 241606 (VCV000241606.70), dbSNP rs34295241, ClinGen allele CA9892022.